The following is an entry in ClinVar:

ClinVar aggregate classification (germline): Likely benign. Review status: criteria provided, multiple submitters, no conflicts (2 of 4 stars). 3 submissions from 3 submitters: Likely benign (3). Last evaluated 2024-07-15.

Conditions:
Spinocerebellar ataxia type 14 (SCA14). Identifiers: Orphanet 98763, MedGen C1854369, MONDO:0011540, OMIM 605361.

Allele frequency attached by ClinVar (database versions not stated): ESP Exome Variant Server 0.00008; gnomAD exomes 0.00009 and 0.00013; ExAC 0.00013; gnomAD 0.00013 and 0.00015; TOPMed 0.00016.
gnomAD v4.1: 165 of 1,613,078 alleles (0.01%); highest among the groups gnomAD compares: Middle Eastern, 0.5%; no homozygotes.

Submissions (3):

Blueprint Genetics
Classification: Likely benign. Last evaluated: 2024-07-15. Review status: criteria provided, single submitter. Criteria: ACMG Guidelines, 2015. Collection method: clinical testing. Allele origin: germline.

Illumina Laboratory Services, Illumina
Classification: Likely benign for Spinocerebellar ataxia type 14. Last evaluated: 2018-01-12. Review status: criteria provided, single submitter. Criteria: ICSL Variant Classification Criteria 13 December 2019. Collection method: clinical testing. Allele origin: germline.
Comment: This variant was observed in the ICSL laboratory as part of a predisposition screen in an ostensibly healthy population. It had not been previously curated by ICSL or reported in the Human Gene Mutation Database (HGMD: prior to June 1st, 2018), and was therefore a candidate for classification through an automated scoring system. Utilizing variant allele frequency, disease prevalence and penetrance estimates, and inheritance mode, an automated score was calculated to assess if this variant is too frequent to cause the disease. Based on the score and internal cut-off values, a variant classified as likely benign is not then subjected to further curation. The score for this variant resulted in a classification of likely benign for this disease.

Breakthrough Genomics
Classification: Likely benign. Review status: criteria provided, single submitter. Criteria: ACMG Guidelines, 2015. Collection method: not provided. Allele origin: germline. Inheritance: Autosomal dominant inheritance. Affected: yes.

NM_002739.5(PRKCG):c.822-14C>T

Gene: PRKCG (protein kinase C gamma; plus strand). Cytogenetic location: 19q13.42.
Variant type: single nucleotide variant.
Coding change: c.822-14C>T on transcript NM_002739.5 (MANE Select); 14 bases into the intron before coding-DNA position 822, C replaced by T.
Molecular consequence: intron variant.
Genome position (GRCh38, 1-based): chr19:53,892,974, C>T. VCF-style: chr19-53892974-C-T. GRCh37 (hg19) VCF-style: chr19-54396228-C-T.
Other names: c.822-14C>T (NM_001316329.2).
Identifiers: ClinVar variation 893405 (VCV000893405.6), dbSNP rs367639661, ClinGen allele CA9640421.